The following is an entry in ClinVar:

NM_014159.7(SETD2):c.4457_4460delAGAA

Gene: SETD2 (SET domain containing 2, histone lysine methyltransferase; minus strand). Cytogenetic location: 3p21.31.
Variant type: Microsatellite.
Coding change: c.4457_4460delAGAA on transcript NM_014159.7 (MANE Select); coding-DNA positions 4457 to 4460, 4 bases deleted (AGAA).
Molecular consequence: splice acceptor variant.
Genome position (GRCh38, 1-based): chr3:47,116,749-47,116,752, TTCT deleted on the plus strand (AGAA on the coding strand, the reverse complement: SETD2 is on the minus strand); deleting any 4 consecutive bases within chr3:47,116,749-47,116,756 gives the same sequence; the c. name uses the placement nearest the transcript's 3' end. VCF-style (leftmost placement, unchanged base first): chr3-47116748-CTTCT-C. GRCh37 (hg19) VCF-style: chr3-47158238-CTTCT-C.
Other names: c.4457_4460delAGAA (NM_014159.6).
Identifiers: ClinVar variation 521901 (VCV000521901.6), dbSNP rs1553699115, ClinGen allele CA658777007.
Genomic context (GRCh38, chr3:47,116,748, plus strand): 5'-ATCTTTAGAAAGAGGTGTACACTCACACTGCATTCGCTTAATATCTCGATGAGATTTATT[CTTCT>C]TTCTATTGGGTAAAATTTCATAAAAACTGATTAAATAAATTTCCTGGTAAAGATATAACA-3'

ClinVar aggregate classification (germline): Pathogenic. Review status: criteria provided, multiple submitters, no conflicts (2 of 4 stars). 2 submissions from 2 submitters: Pathogenic (2). Last evaluated 2023-08-15.
ClinVar aggregate classification (oncogenicity): Likely oncogenic (1 of 4 stars; one submission).

Conditions:
Inborn genetic diseases. Identifiers: MedGen C0950123, MeSH D030342.
Neoplasm. Also called: Neoplasms; Neoplasm (disease); tumor. Identifiers: MedGen C0027651, MeSH D009369, MONDO:0005070, HP:0002664.

Submissions (3):

Center for Genomic Medicine, Rigshospitalet, Copenhagen University Hospital
Classification: Likely oncogenic for Neoplasm. Last evaluated: 2025-12-29. Review status: criteria provided, single submitter. Criteria: ClinGen/CGC/VICC Guidelines for Oncogenicity, 2022. Collection method: clinical testing. Allele origin: somatic. Affected: yes.

GeneDx
Classification: Pathogenic. Last evaluated: 2023-08-15. Review status: criteria provided, single submitter. Criteria: GeneDx Variant Classification Process June 2021. Collection method: clinical testing. Allele origin: germline. Affected: yes.
Comment: Frameshift variant predicted to result in protein truncation or nonsense mediated decay in a gene for which loss-of-function is a known mechanism of disease; Not observed in large population cohorts (gnomAD); Previously reported as a de novo variant with confirmed parentage in patient with severe developmental delay; this individual was also identified with missense variants in other genes (Mcrae et al., 2017); This variant is associated with the following publications: (PMID: 24852293, 26084711, 31785789, 28424246, 27317772, 25574603, 24267886, 23160955, 22495309, 24901346, 28191890, 28135719)

Ambry Genetics
Classification: Pathogenic for Hereditary disease. Last evaluated: 2017-07-14. Review status: criteria provided, single submitter. Criteria: ambry_reporting_categories_2017. Collection method: clinical testing. Allele origin: germline. Affected: yes. Observed: 1 heterozygote. Segregation with disease observed.
Comment: Lines of evidence used in support of classification: POSITIVE: Relevant Alteration(s) Detected

Literature cited by the submitters: PubMed 32674319 (cited by Center for Genomic Medicine, Rigshospitalet, Copenhagen University Hospital); PubMed 24267886 (cited by Ambry Genetics); PubMed 24852293 (cited by Ambry Genetics); PubMed 22495309 (cited by Ambry Genetics); PubMed 23160955 (cited by Ambry Genetics); PubMed 24901346 (cited by Ambry Genetics); PubMed 27317772 (cited by Ambry Genetics); PubMed 26084711 (cited by Ambry Genetics); PubMed 25574603 (cited by Ambry Genetics); PubMed 28424246 (cited by Ambry Genetics).